The following is an entry in ClinVar:

NM_000059.4(BRCA2):c.7771A>G (p.Asn2591Asp)

Gene: BRCA2 (BRCA2 DNA repair associated; plus strand). Cytogenetic location: 13q13.1.
Variant type: single nucleotide variant.
Coding change: c.7771A>G on transcript NM_000059.4 (MANE Select); coding-DNA position 7771, A replaced by G.
Protein change: p.Asn2591Asp; replaces asparagine 2591 with aspartic acid.
Molecular consequence: missense variant.
Genome position (GRCh38, 1-based): chr13:32,357,895, A>G. VCF-style: chr13-32357895-A-G. GRCh37 (hg19) VCF-style: chr13-32932032-A-G.
Other names: short protein forms N2591D.
Identifiers: ClinVar variation 419429 (VCV000419429.13), dbSNP rs778060629, ClinGen allele CA16619770.

ClinVar aggregate classification (germline): Conflicting classifications of pathogenicity. Review status: criteria provided, conflicting classifications (1 of 4 stars). 4 submissions from 4 submitters: Uncertain significance (3); Likely benign (1). Last evaluated 2025-05-19.

Conditions:
Familial cancer of breast. Also called: Hereditary breast cancer; BREAST CANCER, FAMILIAL; hereditary breast carcinoma. Identifiers: Orphanet 227535, MedGen C0346153, MONDO:0016419, OMIM 114480. Disease mechanism: loss of function.
Hereditary cancer-predisposing syndrome. Also called: Hereditary neoplastic syndrome; Tumor predisposition; Neoplastic Syndromes, Hereditary; Hereditary Cancer Syndrome. Identifiers: Orphanet 140162, MedGen C0027672, MeSH D009386, MONDO:0015356.
Hereditary breast ovarian cancer syndrome. Also called: Hereditary breast and ovarian cancer; Hereditary breast and/or ovarian cancer syndrome; Hereditary breast and ovarian cancer syndrome; Hereditary breast and ovarian cancer syndrome (HBOC); Breast and ovarian cancer; BRCA1- and BRCA2-Associated Hereditary Breast and Ovarian Cancer. Identifiers: Orphanet 145, MedGen C0677776, MeSH D061325, MONDO:0003582. Disease mechanism: loss of function.

Allele frequency attached by ClinVar (database versions not stated): TOPMed below 0.00001; gnomAD 0.00001.
gnomAD v4.1: 3 of 1,614,014 alleles (0.00019%); highest among the groups gnomAD compares: African/African-American, 0.0027%; no homozygotes.

Submissions (4):

Ambry Genetics
Classification: Likely benign for Hereditary cancer-predisposing syndrome. Last evaluated: 2025-05-19. Review status: criteria provided, single submitter. Criteria: Ambry Variant Classification Scheme 2023. Collection method: clinical testing. Allele origin: germline.

Labcorp Genetics (formerly Invitae), Labcorp
Classification: Uncertain significance for Hereditary breast ovarian cancer syndrome. Last evaluated: 2023-08-17. Review status: criteria provided, single submitter. Criteria: Invitae Variant Classification Sherloc (09022015). Collection method: clinical testing. Allele origin: germline.
Comment: Advanced modeling of protein sequence and biophysical properties (such as structural, functional, and spatial information, amino acid conservation, physicochemical variation, residue mobility, and thermodynamic stability) performed at Invitae indicates that this missense variant is not expected to disrupt BRCA2 protein function. In summary, the available evidence is currently insufficient to determine the role of this variant in disease. Therefore, it has been classified as a Variant of Uncertain Significance. ClinVar contains an entry for this variant (Variation ID: 419429). This sequence change replaces asparagine, which is neutral and polar, with aspartic acid, which is acidic and polar, at codon 2591 of the BRCA2 protein (p.Asn2591Asp). This variant is not present in population databases (gnomAD no frequency). This variant has not been reported in the literature in individuals affected with BRCA2-related conditions.

Baylor Genetics
Classification: Uncertain significance for Familial cancer of breast. Last evaluated: 2023-05-12. Review status: criteria provided, single submitter. Criteria: ACMG Guidelines, 2015. Collection method: clinical testing. Allele origin: unknown.

GeneDx
Classification: Uncertain significance. Last evaluated: 2023-03-21. Review status: criteria provided, single submitter. Criteria: GeneDx Variant Classification Process June 2021. Collection method: clinical testing. Allele origin: germline. Affected: yes.
Comment: Not observed at significant frequency in large population cohorts (gnomAD); In silico analysis supports that this missense variant does not alter protein structure/function; Has not been previously published as pathogenic or benign to our knowledge; Also known as 7999A>G; This variant is associated with the following publications: (PMID: 12228710)